The following is an entry in ClinVar:

ClinVar aggregate classification (germline): Uncertain significance (1 of 4 stars; one submission).

Conditions:
Congenital myasthenic syndrome 11. Also called: Myasthenic syndrome, congenital, 11, associated with acetylcholine receptor deficiency; MYASTHENIC SYNDROME, CONGENITAL, Ie. Identifiers: Orphanet 590, MedGen C4225367, MONDO:0014588, OMIM 616326.
Fetal akinesia deformation sequence 1 (FADS1). Also called: Fetal akinesia sequence; Pena-Shokeir syndrome type I. Identifiers: Orphanet 994, MedGen C1276035, MONDO:0100101, OMIM 208150, HP:0001989.

Submission:

Labcorp Genetics (formerly Invitae), Labcorp
Classification: Uncertain significance for Congenital myasthenic syndrome 11; Fetal akinesia deformation sequence 1. Last evaluated: 2022-03-10. Review status: criteria provided, single submitter. Criteria: Invitae Variant Classification Sherloc (09022015). Collection method: clinical testing. Allele origin: germline.
Comment: In summary, the available evidence is currently insufficient to determine the role of this variant in disease. Therefore, it has been classified as a Variant of Uncertain Significance. Algorithms developed to predict the effect of missense changes on protein structure and function (SIFT, PolyPhen-2, Align-GVGD) all suggest that this variant is likely to be disruptive. This variant has not been reported in the literature in individuals affected with RAPSN-related conditions. This variant is not present in population databases (gnomAD no frequency). This sequence change replaces tyrosine, which is neutral and polar, with serine, which is neutral and polar, at codon 17 of the RAPSN protein (p.Tyr17Ser).

NM_005055.5(RAPSN):c.50A>C (p.Tyr17Ser)

Gene: RAPSN (receptor associated protein of the synapse; minus strand). Cytogenetic location: 11p11.2.
Variant type: single nucleotide variant.
Coding change: c.50A>C on transcript NM_005055.5 (MANE Select); coding-DNA position 50, A replaced by C.
Protein change: p.Tyr17Ser; replaces tyrosine 17 with serine.
Molecular consequence: missense variant.
Genome position (GRCh38, 1-based): chr11:47,448,915, T>G on the plus strand (A>C on the coding strand, the complement: RAPSN is on the minus strand). VCF-style: chr11-47448915-T-G. GRCh37 (hg19) VCF-style: chr11-47470467-T-G.
Other names: c.50A>C, p.Tyr17Ser (NM_032645.5); short protein forms Y17S.
Identifiers: ClinVar variation 2108655 (VCV002108655.4), dbSNP rs2153311777, ClinGen allele CA380337112.